The following is an entry in ClinVar:

NM_004415.4(DSP):c.1215C>A (p.Cys405Ter)

Gene: DSP (desmoplakin; plus strand). Cytogenetic location: 6p24.3.
Variant type: single nucleotide variant.
Coding change: c.1215C>A on transcript NM_004415.4 (MANE Select); coding-DNA position 1215, C replaced by A.
Protein change: p.Cys405Ter; replaces cysteine 405 with a stop codon.
Molecular consequence: nonsense.
Genome position (GRCh38, 1-based): chr6:7,567,855, C>A. VCF-style: chr6-7567855-C-A. GRCh37 (hg19) VCF-style: chr6-7568088-C-A.
Other names: c.1215C>A, p.Cys405Ter (NM_001008844.3, NM_001319034.2, NM_001406591.1); short protein forms C405*.
Identifiers: ClinVar variation 2000339 (VCV002000339.4), dbSNP rs377500825, ClinGen allele CA362676153.
Genomic context (GRCh38, chr6:7,567,855, plus strand): 5'-GCAGTCTACTGAAGCATACCTGAAGGGGCTCCAGGACTCCATCAGGAAGAAGTACCCCTG[C>A]GACAAGAACATGCCCCTGCAGCACCTGCTGGAACAGATCAAGGAGCTGGAGGTATCGTCT-3'

ClinVar aggregate classification (germline): Pathogenic (1 of 4 stars; one submission).

Conditions:
Arrhythmogenic cardiomyopathy with wooly hair and keratoderma. Also called: Carvajal syndrome; Dilated cardiomyopathy with woolly hair and keratoderma; Arrhythmogenic cardiomyopathy with woolly hair and keratoderma; PALMOPLANTAR KERATODERMA WITH LEFT VENTRICULAR CARDIOMYOPATHY AND WOOLLY HAIR. Identifiers: Orphanet 65282, MedGen C1854063, MONDO:0011581, OMIM 605676.
Arrhythmogenic right ventricular dysplasia 8 (ARVD8). Also called: Arrhythmogenic Right Ventricular Dysplasia/Cardiomyopathy 8; ARRHYTHMOGENIC RIGHT VENTRICULAR DYSPLASIA, FAMILIAL, 8; ARRHYTHMOGENIC RIGHT VENTRICULAR CARDIOMYOPATHY 8. Identifiers: MedGen C1843896, MONDO:0011831, OMIM 607450.

Submission:

Labcorp Genetics (formerly Invitae), Labcorp
Classification: Pathogenic for Arrhythmogenic cardiomyopathy with wooly hair and keratoderma; Arrhythmogenic right ventricular dysplasia 8. Last evaluated: 2022-11-29. Review status: criteria provided, single submitter. Criteria: Invitae Variant Classification Sherloc (09022015). Collection method: clinical testing. Allele origin: germline.
Comment: For these reasons, this variant has been classified as Pathogenic. This variant has not been reported in the literature in individuals affected with DSP-related conditions. This sequence change creates a premature translational stop signal (p.Cys405*) in the DSP gene. It is expected to result in an absent or disrupted protein product. Loss-of-function variants in DSP are known to be pathogenic (PMID: 20716751, 24503780, 25227139). This variant is not present in population databases (gnomAD no frequency).

Literature cited by the submitters: PubMed 20716751; PubMed 24503780; PubMed 25227139.